The following is an entry in ClinVar:

ClinVar aggregate classification (germline): Uncertain significance (1 of 4 stars; one submission).

Allele frequency attached by ClinVar (database versions not stated): TOPMed 0.00001; ESP Exome Variant Server 0.00008; 1000 Genomes Project 30x 0.00016; 1000 Genomes Project 0.00020.
gnomAD v4.1: 8 of 1,606,012 alleles (0.0005%); highest among the groups gnomAD compares: African/African-American, 0.0067%; no homozygotes.

Submission:

Ambry Genetics
Classification: Uncertain significance. Last evaluated: 2023-09-23. Review status: criteria provided, single submitter. Criteria: Ambry Variant Classification Scheme 2023. Collection method: clinical testing. Allele origin: germline.
Comment: The p.I1885V variant (also known as c.5653A>G), located in coding exon 17 of the POLQ gene, results from an A to G substitution at nucleotide position 5653. The isoleucine at codon 1885 is replaced by valine, an amino acid with highly similar properties. This amino acid position is conserved. In addition, this alteration is predicted to be tolerated by in silico analysis. Since supporting evidence is limited at this time, the clinical significance of this alteration remains unclear.

NM_199420.4(POLQ):c.5653A>G (p.Ile1885Val)

Gene: POLQ (DNA polymerase theta; minus strand). Cytogenetic location: 3q13.33.
Variant type: single nucleotide variant.
Coding change: c.5653A>G on transcript NM_199420.4 (MANE Select); coding-DNA position 5653, A replaced by G.
Protein change: p.Ile1885Val; replaces isoleucine 1885 with valine.
Molecular consequence: missense variant.
Genome position (GRCh38, 1-based): chr3:121,485,161, T>C on the plus strand (A>G on the coding strand, the complement: POLQ is on the minus strand). VCF-style: chr3-121485161-T-C. GRCh37 (hg19) VCF-style: chr3-121204008-T-C.
Other names: short protein forms I1885V.
Identifiers: ClinVar variation 1748880 (VCV001748880.2), dbSNP rs367591282, ClinGen allele CA2562679.